The following is an entry in ClinVar:

ClinVar aggregate classification (germline): Uncertain significance (1 of 4 stars; one submission).

Conditions:
Desmin-related myofibrillar myopathy (MFM1). Also called: Desminopathy; Desmin related myopathy (former name); Desmin storage myopathy (former name); Myofibrillar myopathy 1; MYOFIBRILLAR MYOPATHY WITH ARRHYTHMOGENIC RIGHT VENTRICULAR CARDIOMYOPATHY; DESMIN-RELATED MYOPATHY WITH ARRHYTHMOGENIC RIGHT VENTRICULAR CARDIOMYOPATHY. Identifiers: Orphanet 363543, Orphanet 98909, MedGen C1832370, MONDO:0011076, OMIM 601419.

gnomAD v4.1: 2 of 1,613,964 alleles (0.00012%); highest among the groups gnomAD compares: Non-Finnish European, 0.00017%; no homozygotes.

Submission:

Labcorp Genetics (formerly Invitae), Labcorp
Classification: Uncertain significance for Desmin-related myofibrillar myopathy. Last evaluated: 2025-05-15. Review status: criteria provided, single submitter. Criteria: Invitae Variant Classification Sherloc (09022015). Collection method: clinical testing. Allele origin: germline.
Comment: This sequence change replaces proline, which is neutral and non-polar, with serine, which is neutral and polar, at codon 268 of the DES protein (p.Pro268Ser). This variant is not present in population databases (gnomAD no frequency). This variant has not been reported in the literature in individuals affected with DES-related conditions. Invitae Evidence Modeling of protein sequence and biophysical properties (such as structural, functional, and spatial information, amino acid conservation, physicochemical variation, residue mobility, and thermodynamic stability) has been performed for this missense variant. However, the output from this modeling did not meet the statistical confidence thresholds required to predict the impact of this variant on DES protein function. In summary, the available evidence is currently insufficient to determine the role of this variant in disease. Therefore, it has been classified as a Variant of Uncertain Significance.

NM_001927.4(DES):c.802C>T (p.Pro268Ser)

Gene: DES (desmin; plus strand). Cytogenetic location: 2q35.
Variant type: single nucleotide variant.
Coding change: c.802C>T on transcript NM_001927.4 (MANE Select); coding-DNA position 802, C replaced by T.
Protein change: p.Pro268Ser; replaces proline 268 with serine.
Molecular consequence: missense variant. On other transcripts: intron variant (1).
Genome position (GRCh38, 1-based): chr2:219,420,561, C>T. VCF-style: chr2-219420561-C-T. GRCh37 (hg19) VCF-style: chr2-220285283-C-T.
Other names: c.799C>T, p.Pro267Ser (NM_001382708.1); c.802C>T, p.Pro268Ser (NM_001382710.1, NM_001382711.1, NM_001382712.1); c.532C>T, p.Pro178Ser (NM_001382713.1); c.735+215C>T (NM_001382709.1); short protein forms P268S, P178S, P267S.
Identifiers: ClinVar variation 4791238 (VCV004791238.1).